The following is an entry in ClinVar:

ClinVar aggregate classification (germline): Uncertain significance. Review status: criteria provided, multiple submitters, no conflicts (2 of 4 stars). 2 submissions from 2 submitters: Uncertain significance (2). Last evaluated 2024-01-26.

Conditions:
Rhabdoid tumor predisposition syndrome 2 (RTPS2). Identifiers: Orphanet 231108, Orphanet 69077, MedGen C2750074, MONDO:0013224, OMIM 613325.
Hereditary cancer-predisposing syndrome. Also called: Tumor predisposition; Hereditary neoplastic syndrome; Neoplastic Syndromes, Hereditary; Hereditary Cancer Syndrome. Identifiers: Orphanet 140162, MedGen C0027672, MeSH D009386, MONDO:0015356.

Submissions (2):

Ambry Genetics
Classification: Uncertain significance for Hereditary cancer-predisposing syndrome. Last evaluated: 2024-01-26. Review status: criteria provided, single submitter. Criteria: Ambry Variant Classification Scheme 2023. Collection method: clinical testing. Allele origin: germline.
Comment: The c.646_648delCAG variant (also known as p.Q216del) is located in coding exon 3 of the SMARCA4 gene. This variant results from an in-frame CAG deletion at nucleotide positions 646 to 648. This results in the in-frame deletion of a glutamine at codon 216. This amino acid position is well conserved in available vertebrate species. In addition, this alteration is predicted to be neutral by in silico analysis (Choi Y et al. PLoS ONE. 2012; 7(10):e46688). Based on the available evidence, the clinical significance of this alteration remains unclear.

Labcorp Genetics (formerly Invitae), Labcorp
Classification: Uncertain significance for Rhabdoid tumor predisposition syndrome 2. Last evaluated: 2021-08-28. Review status: criteria provided, single submitter. Criteria: Invitae Variant Classification Sherloc (09022015). Collection method: clinical testing. Allele origin: germline.
Comment: This variant, c.646_648del, results in the deletion of 1 amino acid(s) of the SMARCA4 protein (p.Gln216del), but otherwise preserves the integrity of the reading frame. This variant is not present in population databases (ExAC no frequency). This variant has not been reported in the literature in individuals affected with SMARCA4-related conditions. Experimental studies and prediction algorithms are not available or were not evaluated, and the functional significance of this variant is currently unknown. In summary, the available evidence is currently insufficient to determine the role of this variant in disease. Therefore, it has been classified as a Variant of Uncertain Significance.

NM_003072.5(SMARCA4):c.640CAG[2] (p.Gln216del)

Gene: SMARCA4 (SWI/SNF related BAF chromatin remodeling complex subunit ATPase 4; plus strand). Cytogenetic location: 19p13.2.
Variant type: Microsatellite.
Coding change: c.640CAG[2] on transcript NM_003072.5 (MANE Select); two copies in a row of the 3-base unit CAG starting at c.640; the reference has three copies in a row; one copy, 3 bases deleted.
Protein change: p.Gln216del; deletes glutamine 216.
Molecular consequence: inframe deletion. On other transcripts: non-coding transcript variant (1).
Genome position (GRCh38, 1-based): chr19:10,986,479-10,986,481, CAG deleted; deleting any 3 consecutive bases within chr19:10,986,472-10,986,481 gives the same sequence; the position shown is the placement nearest the transcript's 3' end. VCF-style (leftmost placement, unchanged base first): chr19-10986471-TGCA-T. GRCh37 (hg19) VCF-style: chr19-11097147-TGCA-T.
Other names: c.640CAG[2], p.Gln216del (NM_001128844.3, NM_001128845.2, NM_001128846.2 and 5 more transcripts); c.646_648delCAG (NM_001128849.1); short protein forms Q216del.
Identifiers: ClinVar variation 861622 (VCV000861622.8), dbSNP rs2086043699, ClinGen allele CA916083657.